The following is an entry in ClinVar:

NM_006269.2(RP1):c.6182del (p.Ile2061fs)

Gene: RP1 (RP1 axonemal microtubule associated; plus strand). Cytogenetic location: 8q12.1.
Variant type: Deletion.
Coding change: c.6182del on transcript NM_006269.2 (MANE Select); coding-DNA position 6182, one base deleted (T; older notation c.6182delT).
Protein change: p.Ile2061fs; shifts the reading frame from isoleucine 2061.
Molecular consequence: frameshift variant. On other transcripts: intron variant (1).
Genome position (GRCh38, 1-based): chr8:54,630,064, T deleted. VCF-style (leftmost placement, unchanged base first): chr8-54630063-AT-A. GRCh37 (hg19) VCF-style: chr8-55542623-AT-A.
Other names: c.787+7776del (NM_001375654.1); short protein forms I2061fs.
Identifiers: ClinVar variation 2109349 (VCV002109349.4), dbSNP rs2536593359, ClinGen allele CA2580078409.

ClinVar aggregate classification (germline): Pathogenic (1 of 4 stars; one submission).

Submission:

Labcorp Genetics (formerly Invitae), Labcorp
Classification: Pathogenic. Last evaluated: 2025-08-07. Review status: criteria provided, single submitter. Criteria: Invitae Variant Classification Sherloc (09022015). Collection method: clinical testing. Allele origin: germline.
Comment: This sequence change creates a premature translational stop signal (p.Ile2061Thrfs*12) in the RP1 gene. While this is not anticipated to result in nonsense mediated decay, it is expected to disrupt the last 96 amino acid(s) of the RP1 protein. This variant is not present in population databases (gnomAD no frequency). This premature translational stop signal has been observed in individual(s) with autosomal recessive retinitis pigmentosa (PMID: 29425069, 30027431, 31960602). In at least one individual the data is consistent with being in trans (on the opposite chromosome) from a pathogenic variant. ClinVar contains an entry for this variant (Variation ID: 2109349). This variant disrupts the C-terminus of the RP1 protein. Many variants that disrupt this region have been reported in individuals with either autosomal dominant or autosomal recessive retinitis pigmentosa (PMID: 11527933, 19933189, 29425069, 30027431, 33681214). Therefore, variants that disrupt this region are expected to be disease-causing. For these reasons, this variant has been classified as Pathogenic.

Literature cited by the submitters: PubMed 29425069; PubMed 30027431; PubMed 31960602; PubMed 11527933; PubMed 19933189; PubMed 33681214.